The following is an entry in ClinVar:

NM_014989.7(RIMS1):c.1250C>A (p.Ala417Asp)

Gene: RIMS1 (regulating synaptic membrane exocytosis 1; plus strand). Cytogenetic location: 6q13.
Variant type: single nucleotide variant.
Coding change: c.1250C>A on transcript NM_014989.7 (MANE Select); coding-DNA position 1250, C replaced by A.
Protein change: p.Ala417Asp; replaces alanine 417 with aspartic acid.
Molecular consequence: missense variant.
Genome position (GRCh38, 1-based): chr6:72,182,721, C>A. VCF-style: chr6-72182721-C-A. GRCh37 (hg19) VCF-style: chr6-72892424-C-A.
Other names: short protein forms A417D.
Identifiers: ClinVar variation 1512856 (VCV001512856.6), dbSNP rs946852723, ClinGen allele CA364820594.
Genomic context (GRCh38, chr6:72,182,721, plus strand): 5'-GCACCGAGGCGGGCGCGGCGCTGCCGGAGGGCAAGGCCGGCAAACGCGCGCCGGCGGCAG[C>A]CAGGGCCTCGCCGCCGGACTCGCCGCGGGCTTACTCGGCTGAGAGAACTGCGGAGACCAG-3'
Protein context (NP_055804.2, residues 407-427): GKAGKRAPAA[Ala417Asp]RASPPDSPRA

ClinVar aggregate classification (germline): Uncertain significance (1 of 4 stars; one submission).

Submission:

Labcorp Genetics (formerly Invitae), Labcorp
Classification: Uncertain significance. Last evaluated: 2024-01-29. Review status: criteria provided, single submitter. Criteria: Invitae Variant Classification Sherloc (09022015). Collection method: clinical testing. Allele origin: germline.
Comment: This sequence change replaces alanine, which is neutral and non-polar, with aspartic acid, which is acidic and polar, at codon 417 of the RIMS1 protein (p.Ala417Asp). This variant is not present in population databases (gnomAD no frequency). This variant has not been reported in the literature in individuals affected with RIMS1-related conditions. ClinVar contains an entry for this variant (Variation ID: 1512856). An algorithm developed to predict the effect of missense changes on protein structure and function (PolyPhen-2) suggests that this variant is likely to be tolerated. In summary, the available evidence is currently insufficient to determine the role of this variant in disease. Therefore, it has been classified as a Variant of Uncertain Significance.